The following is an entry in ClinVar:

NM_001374736.1(DST):c.3853A>G (p.Asn1285Asp)

Gene: DST (dystonin; minus strand). Cytogenetic location: 6p12.1.
Variant type: single nucleotide variant.
Coding change: c.3853A>G on transcript NM_001374736.1 (MANE Select); coding-DNA position 3853, A replaced by G.
Protein change: p.Asn1285Asp; replaces asparagine 1285 with aspartic acid.
Molecular consequence: missense variant.
Genome position (GRCh38, 1-based): chr6:56,631,993, T>C on the plus strand (A>G on the coding strand, the complement: DST is on the minus strand). VCF-style: chr6-56631993-T-C. GRCh37 (hg19) VCF-style: chr6-56496791-T-C.
Other names: c.3220A>G, p.Asn1074Asp (NM_001386100.1, NM_183380.4, NM_001374729.1 and 1 more transcripts); c.2242A>G, p.Asn748Asp (NM_001723.7, NM_015548.5); c.3754A>G, p.Asn1252Asp (NM_001144769.5); c.3340A>G, p.Asn1114Asp (NM_001144770.2); c.3853A>G, p.Asn1285Asp (NM_001374722.1); c.3880A>G, p.Asn1294Asp (NM_001374734.1); short protein forms N748D, N1114D, N1252D, N1074D, N1285D, N1294D.
Identifiers: ClinVar variation 357604 (VCV000357604.24), dbSNP rs201419873, ClinGen allele CA3871043.

ClinVar aggregate classification (germline): Conflicting classifications of pathogenicity. Review status: criteria provided, conflicting classifications (1 of 4 stars). 5 submissions from 5 submitters: Uncertain significance (3); Likely benign (2). Last evaluated 2025-12-09.

Conditions:
Inborn genetic diseases. Identifiers: MedGen C0950123, MeSH D030342.
DST-related disorder. Also called: DST-related disorders; DST-related condition.
Epidermolysis bullosa simplex 3, localized or generalized intermediate, with BP230 deficiency (EBS3). Also called: Epidermolysis bullosa simplex due to BP230 deficiency; Epidermolysis bullosa simplex, autosomal recessive 2. Identifiers: Orphanet 412181, MedGen C3809470, MONDO:0014180, OMIM 615425.
Hereditary sensory and autonomic neuropathy type 6. Also called: HSAN VI; Neuropathy, hereditary sensory and autonomic, type VI. Identifiers: Orphanet 314381, MedGen C3539003, MONDO:0013839, OMIM 614653.

Allele frequency attached by ClinVar (database versions not stated): ESP Exome Variant Server 0.00008; gnomAD exomes 0.00009 and 0.00014; ExAC 0.00010; TOPMed 0.00011; gnomAD 0.00012.
gnomAD v4.1: 170 of 1,613,598 alleles (0.011%); highest among the groups gnomAD compares: Non-Finnish European, 0.0021%; 1 homozygote.

Submissions (5):

Labcorp Genetics (formerly Invitae), Labcorp
Classification: Likely benign for Epidermolysis bullosa simplex 3, localized or generalized intermediate, with BP230 deficiency; Hereditary sensory and autonomic neuropathy type 6. Last evaluated: 2025-12-09. Review status: criteria provided, single submitter. Criteria: Invitae Variant Classification Sherloc (09022015). Collection method: clinical testing. Allele origin: germline.

GeneDx
Classification: Uncertain significance. Last evaluated: 2025-09-24. Review status: criteria provided, single submitter. Criteria: GeneDx Variant Classification Process June 2021. Collection method: clinical testing. Allele origin: germline. Affected: yes.
Comment: In silico analysis supports that this missense variant has a deleterious effect on protein structure/function; Has not been previously published as pathogenic or benign to our knowledge; Reported using the transcript encoding the epithelial isoform of the gene.

PreventionGenetics, part of Exact Sciences
Classification: Likely benign for DST-related condition. Last evaluated: 2025-09-15. Review status: criteria provided, single submitter. Criteria: ACMG Guidelines, 2015. Collection method: clinical testing. Allele origin: germline.
Comment: This variant is classified as likely benign based on ACMG/AMP sequence variant interpretation guidelines (Richards et al. 2015 PMID: 25741868, with internal and published modifications).

Ambry Genetics
Classification: Uncertain significance for Inborn genetic diseases. Last evaluated: 2022-12-09. Review status: criteria provided, single submitter. Criteria: Ambry Variant Classification Scheme 2023. Collection method: clinical testing. Allele origin: germline.
Comment: This variant is likely benign for DST-related sensory and autonomic neuropathy (AR) Based on insufficient or conflicting evidence, the clinical significance of this alteration remains unclear.

Baylor Genetics
Classification: Uncertain significance for Hereditary sensory and autonomic neuropathy type 6. Last evaluated: 2018-05-03. Review status: criteria provided, single submitter. Criteria: ACMG Guidelines, 2015. Collection method: clinical testing. Allele origin: unknown. Affected: yes.
Comment: This variant was determined to be of uncertain significance according to ACMG Guidelines, 2015 [PMID:25741868].